The following is an entry in ClinVar:

NM_173728.4(ARHGEF15):c.1786G>C (p.Glu596Gln)

Gene: ARHGEF15 (Rho guanine nucleotide exchange factor 15; plus strand). Cytogenetic location: 17p13.1.
Variant type: single nucleotide variant.
Coding change: c.1786G>C on transcript NM_173728.4 (MANE Select); coding-DNA position 1786, G replaced by C.
Protein change: p.Glu596Gln; replaces glutamic acid 596 with glutamine.
Molecular consequence: missense variant.
Genome position (GRCh38, 1-based): chr17:8,318,576, G>C. VCF-style: chr17-8318576-G-C. GRCh37 (hg19) VCF-style: chr17-8221894-G-C.
Other names: c.1786G>C, p.Glu596Gln (NM_025014.2); short protein forms E596Q.
Identifiers: ClinVar variation 647371 (VCV000647371.9), dbSNP rs746554509, ClinGen allele CA8375309.

ClinVar aggregate classification (germline): Uncertain significance (1 of 4 stars; one submission).

Conditions:
Early-infantile DEE. Also called: Early infantile epileptic encephalopathy with suppression bursts; Early infantile epileptic encephalopathy; Ohtahara syndrome. Identifiers: Orphanet 1934, MedGen C0393706, MONDO:0800491.

Allele frequency attached by ClinVar (database versions not stated): TOPMed 0.00002.
gnomAD v4.1: 2 of 1,613,404 alleles (0.00012%); no homozygotes.

Submission:

Labcorp Genetics (formerly Invitae), Labcorp
Classification: Uncertain significance for Early-infantile DEE. Last evaluated: 2018-10-01. Review status: criteria provided, single submitter. Criteria: Invitae Variant Classification Sherloc (09022015). Collection method: clinical testing. Allele origin: germline.
Comment: In summary, the available evidence is currently insufficient to determine the role of this variant in disease. Therefore, it has been classified as a Variant of Uncertain Significance. Algorithms developed to predict the effect of missense changes on protein structure and function are either unavailable or do not agree on the potential impact of this missense change (SIFT: "Deleterious"; PolyPhen-2: "Benign"; Align-GVGD: "Class C0"). This variant has not been reported in the literature in individuals with ARHGEF15-related disease. This variant is present in population databases (rs746554509, ExAC 0.03%). This sequence change replaces glutamic acid with glutamine at codon 596 of the ARHGEF15 protein (p.Glu596Gln). The glutamic acid residue is highly conserved and there is a small physicochemical difference between glutamic acid and glutamine.